The following is an entry in ClinVar:

NM_001256007.3(PNPLA8):c.855A>G (p.Gln285=)

Gene: PNPLA8 (patatin like domain 8, phospholipase A2; minus strand). Cytogenetic location: 7q31.1.
Variant type: single nucleotide variant.
Coding change: c.855A>G on transcript NM_001256007.3 (MANE Select); coding-DNA position 855, A replaced by G.
Protein change: p.Gln285=; no amino-acid change (glutamine 285 retained).
Molecular consequence: synonymous variant.
Genome position (GRCh38, 1-based): chr7:108,514,637, T>C on the plus strand (A>G on the coding strand, the complement: PNPLA8 is on the minus strand). VCF-style: chr7-108514637-T-C. GRCh37 (hg19) VCF-style: chr7-108155081-T-C.
Other names: p.Gln285=; c.855A>G, p.Gln285= (NM_001256008.3, NM_001256009.3, NM_015723.5); c.555A>G, p.Gln185= (NM_001256010.3, NM_001256011.3).
Identifiers: ClinVar variation 776253 (VCV000776253.13), dbSNP rs35636300, ClinGen allele CA4439740.

ClinVar aggregate classification (germline): Benign. Review status: criteria provided, multiple submitters, no conflicts (2 of 4 stars). 4 submissions from 4 submitters: Benign (4). Last evaluated 2026-01-31.

Conditions:
PNPLA8-related disorder. Also called: PNPLA8-related condition.

Allele frequency attached by ClinVar (database versions not stated): gnomAD exomes 0.00221; ExAC 0.00263; 1000 Genomes Project 0.00799; 1000 Genomes Project 30x 0.00828; ESP Exome Variant Server 0.00869; gnomAD 0.00881 and 0.00959; TOPMed 0.01019.
gnomAD v4.1: 2,687 of 1,613,956 alleles (0.17%); highest among the groups gnomAD compares: African/African-American, 3.2%; 51 homozygotes.

Submissions (4):

Labcorp Genetics (formerly Invitae), Labcorp
Classification: Benign. Last evaluated: 2026-01-31. Review status: criteria provided, single submitter. Criteria: Invitae Variant Classification Sherloc (09022015). Collection method: clinical testing. Allele origin: germline.

PreventionGenetics, part of Exact Sciences
Classification: Benign for PNPLA8-related condition. Last evaluated: 2025-02-14. Review status: criteria provided, single submitter. Criteria: ACMG Guidelines, 2015. Collection method: clinical testing. Allele origin: germline.
Comment: This variant is classified as benign based on ACMG/AMP sequence variant interpretation guidelines (Richards et al. 2015 PMID: 25741868, with internal and published modifications).

Mayo Clinic Laboratories, Mayo Clinic
Classification: Benign. Last evaluated: 2023-04-05. Review status: criteria provided, single submitter. Criteria: ACMG Guidelines, 2015. Collection method: clinical testing. Allele origin: germline. Observed: 9 variant alleles.
Comment: BS1, BS2, BP4, BP7

Breakthrough Genomics
Classification: Benign. Review status: criteria provided, single submitter. Criteria: ACMG Guidelines, 2015. Collection method: not provided. Allele origin: germline. Inheritance: Autosomal recessive inheritance. Affected: yes.